The following is an entry in ClinVar:

NC_000009.12:g.(?_128234001)_(128234127_?)del

Gene: DNM1 (dynamin 1; plus strand). Cytogenetic location: 9q34.11.
Variant type: Deletion.
Identifiers: ClinVar variation 830724 (VCV000830724.11).

ClinVar aggregate classification (germline): Uncertain significance (1 of 4 stars; one submission).

Conditions:
Developmental and epileptic encephalopathy, 31A. Also called: Developmental and epileptic encephalopathy, 31; Epileptic encephalopathy, early infantile, 31. Identifiers: Orphanet 2382, MedGen C4225357, MONDO:0014598, OMIM 616346.

Submission:

Labcorp Genetics (formerly Invitae), Labcorp
Classification: Uncertain significance for Developmental and epileptic encephalopathy, 31A. Last evaluated: 2020-06-29. Review status: criteria provided, single submitter. Criteria: Invitae Variant Classification Sherloc (09022015). Collection method: clinical testing. Allele origin: germline.
Comment: This variant is an in-frame deletion of the genomic region encompassing exon 11 of the DNM1 gene. It preserves the integrity of the reading frame. This variant has not been reported in the literature in individuals with DNM1-related conditions. In summary, the available evidence is currently insufficient to determine the role of this variant in disease. Therefore, it has been classified as a Variant of Uncertain Significance.